The following is an entry in ClinVar:

ClinVar aggregate classification (germline): Likely benign. Review status: criteria provided, multiple submitters, no conflicts (2 of 4 stars). 3 submissions from 3 submitters: Likely benign (3). Last evaluated 2026-08-01.

Allele frequency attached by ClinVar (database versions not stated): ExAC 0.00003; TOPMed 0.00008; gnomAD 0.00009; ESP Exome Variant Server 0.00023.
gnomAD v4.1: 170 of 1,608,950 alleles (0.011%); highest among the groups gnomAD compares: Middle Eastern, 0.016%; no homozygotes.

Submissions (3):

CeGaT Center for Human Genetics Tuebingen
Classification: Likely benign. Last evaluated: 2026-08-01. Review status: criteria provided, single submitter. Criteria: CeGaT Center For Human Genetics Tuebingen Variant Classification Criteria Version 2. Collection method: clinical testing. Allele origin: germline. Affected: yes. Observed: 1 variant allele.
Comment: LETM1: BP4, BP7

Laboratory of Genetics, Children's Clinical University Hospital Latvia
Classification: Likely benign. Last evaluated: 2025-02-16. Review status: criteria provided, single submitter. Criteria: ACMG Guidelines, 2015. Collection method: clinical testing. Allele origin: germline. Affected: yes.

Labcorp Genetics (formerly Invitae), Labcorp
Classification: Likely benign. Last evaluated: 2024-04-10. Review status: criteria provided, single submitter. Criteria: Invitae Variant Classification Sherloc (09022015). Collection method: clinical testing. Allele origin: germline.

NM_012318.3(LETM1):c.1422G>A (p.Ala474=)

Gene: LETM1 (leucine zipper and EF-hand containing transmembrane protein 1; minus strand). Cytogenetic location: 4p16.3.
Variant type: single nucleotide variant.
Coding change: c.1422G>A on transcript NM_012318.3 (MANE Select); coding-DNA position 1422, G replaced by A.
Protein change: p.Ala474=; no amino-acid change (alanine 474 retained).
Molecular consequence: synonymous variant.
Genome position (GRCh38, 1-based): chr4:1,823,042, C>T on the plus strand (G>A on the coding strand, the complement: LETM1 is on the minus strand). VCF-style: chr4-1823042-C-T. GRCh37 (hg19) VCF-style: chr4-1824769-C-T.
Identifiers: ClinVar variation 1979171 (VCV001979171.6), dbSNP rs146772267, ClinGen allele CA2811285.